The following is an entry in ClinVar:

ClinVar aggregate classification (germline): Uncertain significance (1 of 4 stars; one submission).

Allele frequency attached by ClinVar (database versions not stated): gnomAD exomes below 0.00001.
gnomAD v4.1: 2 of 1,551,514 alleles (0.00013%); highest among the groups gnomAD compares: Non-Finnish European, 0.00017%; no homozygotes.

Submission:

Labcorp Genetics (formerly Invitae), Labcorp
Classification: Uncertain significance. Last evaluated: 2022-07-06. Review status: criteria provided, single submitter. Criteria: Invitae Variant Classification Sherloc (09022015). Collection method: clinical testing. Allele origin: germline.
Comment: This sequence change replaces aspartic acid, which is acidic and polar, with glutamic acid, which is acidic and polar, at codon 727 of the SLC9A3 protein (p.Asp727Glu). This variant is present in population databases (no rsID available, gnomAD 0.002%). This variant has not been reported in the literature in individuals affected with SLC9A3-related conditions. Algorithms developed to predict the effect of missense changes on protein structure and function output the following: SIFT: "Not Available"; PolyPhen-2: "Benign"; Align-GVGD: "Not Available". The glutamic acid amino acid residue is found in multiple mammalian species, which suggests that this missense change does not adversely affect protein function. In summary, the available evidence is currently insufficient to determine the role of this variant in disease. Therefore, it has been classified as a Variant of Uncertain Significance.

NM_004174.4(SLC9A3):c.2181T>G (p.Asp727Glu)

Genes: SLC9A3 (solute carrier family 9 member A3), SLC9A3-AS1 (SLC9A3 antisense RNA 1; plus strand). Cytogenetic location: 5p15.33.
Variant type: single nucleotide variant.
Coding change: c.2181T>G on transcript NM_004174.4 (MANE Select); coding-DNA position 2181, T replaced by G.
Protein change: p.Asp727Glu; replaces aspartic acid 727 with glutamic acid.
Molecular consequence: missense variant.
Genome position (GRCh38, 1-based): chr5:475,631, A>C on the plus strand (T>G on the coding strand, the complement: SLC9A3 is on the minus strand). VCF-style: chr5-475631-A-C. GRCh37 (hg19) VCF-style: chr5-475746-A-C.
Other names: c.2154T>G, p.Asp718Glu (NM_001284351.3); short protein forms D718E, D727E.
Identifiers: ClinVar variation 1950643 (VCV001950643.5), dbSNP rs1447518723, ClinGen allele CA359024074.